The following is an entry in ClinVar:

ClinVar aggregate classification (germline): Uncertain significance. Review status: criteria provided, multiple submitters, no conflicts (2 of 4 stars). 3 submissions from 3 submitters: Uncertain significance (3). Last evaluated 2025-03-30.

Conditions:
Familial thoracic aortic aneurysm and aortic dissection (TAAD). Also called: Thoracic aortic aneurysms and dissections. Identifiers: Orphanet 91387, MedGen C4707243, MONDO:0019625.
Congenital contractural arachnodactyly (CCA). Also called: Beals-Hecht syndrome; BEALS SYNDROME; Arthrogryposis, distal, type 9. Identifiers: Orphanet 115, MedGen C0220668, MONDO:0007363, OMIM 121050.

Allele frequency attached by ClinVar (database versions not stated): gnomAD 0.00001; TOPMed 0.00001; gnomAD exomes 0.00003; ExAC 0.00006.
gnomAD v4.1: 25 of 1,613,270 alleles (0.0015%); highest among the groups gnomAD compares: Non-Finnish European, 0.0019%; no homozygotes.

Submissions (3):

Labcorp Genetics (formerly Invitae), Labcorp
Classification: Uncertain significance for Congenital contractural arachnodactyly. Last evaluated: 2025-03-30. Review status: criteria provided, single submitter. Criteria: Invitae Variant Classification Sherloc (09022015). Collection method: clinical testing. Allele origin: germline.
Comment: This sequence change replaces proline, which is neutral and non-polar, with arginine, which is basic and polar, at codon 86 of the FBN2 protein (p.Pro86Arg). This variant is present in population databases (rs749819006, gnomAD 0.007%). This missense change has been observed in individual(s) with clinical features of FBN2-related conditions (internal data). ClinVar contains an entry for this variant (Variation ID: 458744). Experimental studies and prediction algorithms are not available or were not evaluated, and the functional significance of this variant is currently unknown. In summary, the available evidence is currently insufficient to determine the role of this variant in disease. Therefore, it has been classified as a Variant of Uncertain Significance.

Ambry Genetics
Classification: Uncertain significance for Familial thoracic aortic aneurysm and aortic dissection. Last evaluated: 2019-12-19. Review status: criteria provided, single submitter. Criteria: Ambry Variant Classification Scheme 2023. Collection method: clinical testing. Allele origin: germline.
Comment: The p.P86R variant (also known as c.257C>G), located in coding exon 2 of the FBN2 gene, results from a C to G substitution at nucleotide position 257. The proline at codon 86 is replaced by arginine, an amino acid with dissimilar properties, and is located in the EGF-like #01 domain. This amino acid position is highly conserved in available vertebrate species. In addition, this alteration is predicted to be deleterious by in silico analysis. Since supporting evidence is limited at this time, the clinical significance of this alteration remains unclear.

GeneDx
Classification: Uncertain significance. Last evaluated: 2019-05-02. Review status: criteria provided, single submitter. Criteria: GeneDx Variant Classification Process June 2021. Collection method: clinical testing. Allele origin: germline. Affected: yes.
Comment: Has not been previously published as pathogenic or benign to our knowledge; In silico analysis, which includes protein predictors and evolutionary conservation, supports a deleterious effect; Does not affect a cysteine residue within a calcium-binding EGF-like domain of the FBN2 gene; cysteine substitutions in the calcium-binding EGF-like domains represent the majority of pathogenic missense changes associated with FBN2-related disorders (Frederic et al., 2009); Reported in ClinVar as a variant of uncertain significance (ClinVar Variant ID 458744; Landrum et al., 2016)

NM_001999.4(FBN2):c.257C>G (p.Pro86Arg)

Gene: FBN2 (fibrillin 2; minus strand). Cytogenetic location: 5q23.3.
Variant type: single nucleotide variant.
Coding change: c.257C>G on transcript NM_001999.4 (MANE Select); coding-DNA position 257, C replaced by G.
Protein change: p.Pro86Arg; replaces proline 86 with arginine.
Molecular consequence: missense variant.
Genome position (GRCh38, 1-based): chr5:128,536,482, G>C on the plus strand (C>G on the coding strand, the complement: FBN2 is on the minus strand). VCF-style: chr5-128536482-G-C. GRCh37 (hg19) VCF-style: chr5-127872175-G-C.
Other names: short protein forms P86R.
Identifiers: ClinVar variation 458744 (VCV000458744.12), dbSNP rs749819006, ClinGen allele CA3396168.